The following is an entry in ClinVar:

NM_001100913.3(PACS2):c.2479A>C (p.Lys827Gln)

Gene: PACS2 (phosphofurin acidic cluster sorting protein 2; plus strand). Cytogenetic location: 14q32.33.
Variant type: single nucleotide variant.
Coding change: c.2479A>C on transcript NM_001100913.3 (MANE Select); coding-DNA position 2479, A replaced by C.
Protein change: p.Lys827Gln; replaces lysine 827 with glutamine.
Molecular consequence: missense variant.
Genome position (GRCh38, 1-based): chr14:105,392,842, A>C. VCF-style: chr14-105392842-A-C. GRCh37 (hg19) VCF-style: chr14-105859179-A-C.
Other names: c.2209A>C, p.Lys737Gln (NM_001243127.3); c.2434A>C, p.Lys812Gln (NM_015197.4); short protein forms K737Q, K812Q, K827Q.
Identifiers: ClinVar variation 1878613 (VCV001878613.2), dbSNP rs2544900638, ClinGen allele CA391188923.

ClinVar aggregate classification (germline): Uncertain significance. Review status: criteria provided, multiple submitters, no conflicts (2 of 4 stars). 2 submissions from 2 submitters: Uncertain significance (2). Last evaluated 2024-02-01.

Conditions:
Developmental and epileptic encephalopathy, 66. Also called: EPILEPTIC ENCEPHALOPATHY, EARLY INFANTILE, 66. Identifiers: MedGen C4748070, MONDO:0054845, OMIM 618067.

Submissions (2):

Revvity Omics, Revvity
Classification: Uncertain significance for Developmental and epileptic encephalopathy, 66. Last evaluated: 2024-02-01. Review status: criteria provided, single submitter. Criteria: ACMG Guidelines, 2015. Collection method: clinical testing. Allele origin: germline.

Neuberg Centre For Genomic Medicine, NCGM
Classification: Uncertain significance for Developmental and epileptic encephalopathy, 66. Review status: criteria provided, single submitter. Criteria: ACMG Guidelines, 2015. Collection method: clinical testing. Allele origin: germline. Affected: yes.
Comment: The missense variant c.2479A>C(p.Lys827Gln) in PACS2 gene has not been reported previously as a pathogenic variant nor as a benign variant, to our knowledge. The p.Lys827Gln variant is novel (not in any individuals) in gnomAD Exomes and 1000 Genomes. The amino acid Lys at position 827 is changed to a Gln changing protein sequence and it might alter its composition and physico-chemical properties. The variant is predicted to be damaging by both SIFT and PolyPhen2. The residue is conserved across species. The amino acid change p.Lys827Gln in PACS2 is predicted as conserved by GERP++ and PhyloP across 100 vertebrates. For these reasons, this variant has been classified as Variant of Uncertain Significance (VUS).